The following is an entry in ClinVar:

NM_001375524.1(TRRAP):c.11377A>G (p.Ile3793Val)

Gene: TRRAP (transformation/transcription domain associated protein; plus strand). Cytogenetic location: 7q22.1.
Variant type: single nucleotide variant.
Coding change: c.11377A>G on transcript NM_001375524.1 (MANE Select); coding-DNA position 11377, A replaced by G.
Protein change: p.Ile3793Val; replaces isoleucine 3793 with valine.
Molecular consequence: missense variant.
Genome position (GRCh38, 1-based): chr7:99,012,110, A>G. VCF-style: chr7-99012110-A-G. GRCh37 (hg19) VCF-style: chr7-98609733-A-G.
Other names: c.11335A>G, p.Ile3779Val (NM_001244580.2); c.11248A>G, p.Ile3750Val (NM_003496.4); short protein forms I3750V, I3779V, I3793V.
Identifiers: ClinVar variation 2870579 (VCV002870579.3), dbSNP rs1227429395, ClinGen allele CA368343854.

ClinVar aggregate classification (germline): Uncertain significance (1 of 4 stars; one submission).

Allele frequency attached by ClinVar (database versions not stated): gnomAD exomes below 0.00001.
gnomAD v4.1: 2 of 1,614,120 alleles (0.00012%); highest among the groups gnomAD compares: Non-Finnish European, 0.00017%; no homozygotes.

Submission:

Labcorp Genetics (formerly Invitae), Labcorp
Classification: Uncertain significance. Last evaluated: 2023-12-22. Review status: criteria provided, single submitter. Criteria: Invitae Variant Classification Sherloc (09022015). Collection method: clinical testing. Allele origin: germline.
Comment: This sequence change replaces isoleucine, which is neutral and non-polar, with valine, which is neutral and non-polar, at codon 3750 of the TRRAP protein (p.Ile3750Val). This variant is present in population databases (no rsID available, gnomAD 0.004%). This variant has not been reported in the literature in individuals affected with TRRAP-related conditions. Advanced modeling of protein sequence and biophysical properties (such as structural, functional, and spatial information, amino acid conservation, physicochemical variation, residue mobility, and thermodynamic stability) performed at Invitae indicates that this missense variant is not expected to disrupt TRRAP protein function with a negative predictive value of 80%. In summary, the available evidence is currently insufficient to determine the role of this variant in disease. Therefore, it has been classified as a Variant of Uncertain Significance.